The following is an entry in ClinVar:

NM_001040436.3(YARS2):c.811G>A (p.Val271Ile)

Gene: YARS2 (tyrosyl-tRNA synthetase 2; minus strand). Cytogenetic location: 12p11.21.
Variant type: single nucleotide variant.
Coding change: c.811G>A on transcript NM_001040436.3 (MANE Select); coding-DNA position 811, G replaced by A.
Protein change: p.Val271Ile; replaces valine 271 with isoleucine.
Molecular consequence: missense variant.
Genome position (GRCh38, 1-based): chr12:32,754,054, C>T on the plus strand (G>A on the coding strand, the complement: YARS2 is on the minus strand). VCF-style: chr12-32754054-C-T. GRCh37 (hg19) VCF-style: chr12-32906988-C-T.
Other names: short protein forms V271I.
Identifiers: ClinVar variation 1484293 (VCV001484293.6), dbSNP rs767756688, ClinGen allele CA235219527.

ClinVar aggregate classification (germline): Uncertain significance (1 of 4 stars; one submission).

Allele frequency attached by ClinVar (database versions not stated): gnomAD 0.00001.
gnomAD v4.1: 9 of 1,614,056 alleles (0.00056%); highest among the groups gnomAD compares: African/African-American, 0.0027%; no homozygotes.

Submission:

Labcorp Genetics (formerly Invitae), Labcorp
Classification: Uncertain significance. Last evaluated: 2023-10-03. Review status: criteria provided, single submitter. Criteria: Invitae Variant Classification Sherloc (09022015). Collection method: clinical testing. Allele origin: germline.
Comment: This sequence change replaces valine, which is neutral and non-polar, with isoleucine, which is neutral and non-polar, at codon 271 of the YARS2 protein (p.Val271Ile). This variant is present in population databases (no rsID available, gnomAD 0.01%). This variant has not been reported in the literature in individuals affected with YARS2-related conditions. ClinVar contains an entry for this variant (Variation ID: 1484293). Advanced modeling of protein sequence and biophysical properties (such as structural, functional, and spatial information, amino acid conservation, physicochemical variation, residue mobility, and thermodynamic stability) performed at Invitae indicates that this missense variant is not expected to disrupt YARS2 protein function. In summary, the available evidence is currently insufficient to determine the role of this variant in disease. Therefore, it has been classified as a Variant of Uncertain Significance.